The following is an entry in ClinVar:

NM_001128840.3(CACNA1D):c.5411C>T (p.Thr1804Ile)

Gene: CACNA1D (calcium voltage-gated channel subunit alpha1 D; plus strand). Cytogenetic location: 3p21.1.
Variant type: single nucleotide variant.
Coding change: c.5411C>T on transcript NM_001128840.3 (MANE Select); coding-DNA position 5411, C replaced by T.
Protein change: p.Thr1804Ile; replaces threonine 1804 with isoleucine.
Molecular consequence: missense variant. On other transcripts: intron variant (1).
Genome position (GRCh38, 1-based): chr3:53,802,149, C>T. VCF-style: chr3-53802149-C-T. GRCh37 (hg19) VCF-style: chr3-53836176-C-T.
Other names: c.5471C>T, p.Thr1824Ile (NM_000720.4); c.5363+724C>T (NM_001128839.3); short protein forms T1804I, T1824I.
Identifiers: ClinVar variation 2579880 (VCV002579880.4), dbSNP rs1195153415, ClinGen allele CA353252178.
Genomic context (GRCh38, chr3:53,802,149, plus strand): 5'-GGTTGGAAATTAACTTTTATCTTCTCCCTCCTTCCCATGTTATGCCTTTCCTGGATAGAA[C>T]CCGCTATTATGAAACTTACATTAGGTATGTGCTCATTACCTGTTTTTGTGTTAAATACTG-3'
Protein context (NP_001122312.1, residues 1794-1814): EPQRRSSVKR[Thr1804Ile]RYYETYIRSD

ClinVar aggregate classification (germline): Uncertain significance. Review status: criteria provided, multiple submitters, no conflicts (2 of 4 stars). 2 submissions from 2 submitters: Uncertain significance (2). Last evaluated 2023-10-17.

gnomAD v4.1: 5 of 1,607,826 alleles (0.00031%); highest among the groups gnomAD compares: Admixed American, 0.0017%; no homozygotes.

Submissions (2):

Labcorp Genetics (formerly Invitae), Labcorp
Classification: Uncertain significance. Last evaluated: 2023-10-17. Review status: criteria provided, single submitter. Criteria: Invitae Variant Classification Sherloc (09022015). Collection method: clinical testing. Allele origin: germline.
Comment: This sequence change replaces threonine, which is neutral and polar, with isoleucine, which is neutral and non-polar, at codon 1824 of the CACNA1D protein (p.Thr1824Ile). This variant is present in population databases (no rsID available, gnomAD 0.003%). This variant has not been reported in the literature in individuals affected with CACNA1D-related conditions. ClinVar contains an entry for this variant (Variation ID: 2579880). An algorithm developed to predict the effect of missense changes on protein structure and function (PolyPhen-2) suggests that this variant is likely to be tolerated. In summary, the available evidence is currently insufficient to determine the role of this variant in disease. Therefore, it has been classified as a Variant of Uncertain Significance.

GeneDx
Classification: Uncertain significance. Last evaluated: 2023-03-16. Review status: criteria provided, single submitter. Criteria: GeneDx Variant Classification Process June 2021. Collection method: clinical testing. Allele origin: germline. Affected: yes.
Comment: Not observed at significant frequency in large population cohorts (gnomAD); In silico analysis supports that this missense variant does not alter protein structure/function; Has not been previously published as pathogenic or benign to our knowledge